The following is an entry in ClinVar:

NM_015137.6(EFR3A):c.1873A>G (p.Ile625Val)

Gene: EFR3A (EFR3 homolog A; plus strand). Cytogenetic location: 8q24.22.
Variant type: single nucleotide variant.
Coding change: c.1873A>G on transcript NM_015137.6 (MANE Select); coding-DNA position 1873, A replaced by G.
Protein change: p.Ile625Val; replaces isoleucine 625 with valine.
Molecular consequence: missense variant. On other transcripts: non-coding transcript variant (2).
Genome position (GRCh38, 1-based): chr8:131,986,197, A>G. VCF-style: chr8-131986197-A-G. GRCh37 (hg19) VCF-style: chr8-132998444-A-G.
Other names: c.1765A>G, p.Ile589Val (NM_001323553.2, NM_001323554.2, NM_001323555.2 and 2 more transcripts); c.1873A>G, p.Ile625Val (NM_001323558.2); short protein forms I589V, I625V.
Identifiers: ClinVar variation 3055688 (VCV003055688.2), dbSNP rs78076857, ClinGen allele CA4879218.

ClinVar aggregate classification (germline): Benign (0 of 4 stars; one submission).

Conditions:
EFR3A-related disorder. Also called: EFR3A-related condition.

Allele frequency attached by ClinVar (database versions not stated): ExAC 0.00177; gnomAD 0.00581; ESP Exome Variant Server 0.00593; TOPMed 0.00640; 1000 Genomes Project 0.00679; 1000 Genomes Project 30x 0.00750.
gnomAD v4.1: 1,579 of 1,571,626 alleles (0.1%); highest among the groups gnomAD compares: African/African-American, 1.9%; 21 homozygotes.

Submission:

PreventionGenetics, part of Exact Sciences
Classification: Benign for EFR3A-related condition. Last evaluated: 2021-06-15. Review status: no assertion criteria provided. Collection method: clinical testing. Allele origin: germline.
Comment: This variant is classified as benign based on ACMG/AMP sequence variant interpretation guidelines (Richards et al. 2015 PMID: 25741868, with internal and published modifications).